The following is an entry in ClinVar:

ClinVar aggregate classification (germline): Benign. Review status: criteria provided, multiple submitters, no conflicts (2 of 4 stars). 14 submissions from 12 submitters: Benign (11). 3 of the submissions do not count toward it. Last evaluated 2026-02-04.

Conditions:
Autosomal dominant familial hematuria-retinal arteriolar tortuosity-contractures syndrome. Also called: Angiopathy, hereditary, with nephropathy, aneurysms, and muscle cramps; Hereditary Angiopathy with Nephropathy, Aneurysms, and Muscle Cramps (HANAC) Syndrome. Identifiers: Orphanet 73229, MedGen C2673195, MONDO:0012726, OMIM 611773.
Brain small vessel disease 1 with or without ocular anomalies (BSVD1). Also called: BRAIN SMALL VESSEL DISEASE WITH HEMORRHAGE; PORENCEPHALY, TYPE 1, AUTOSOMAL DOMINANT; GOULD SYNDROME 1; Brain small vessel disease with or without ocular anomalies. Identifiers: Orphanet 2940, Orphanet 36383, Orphanet 99810, MedGen C4755307, MONDO:0008289, OMIM 175780.

Allele frequency attached by ClinVar (database versions not stated): 1000 Genomes Project 0.30791; 1000 Genomes Project 30x 0.31168; TOPMed 0.32965; gnomAD exomes 0.33381 and 0.35099; gnomAD 0.35052 and 0.35362; ESP Exome Variant Server 0.35676; ExAC 0.37559.
gnomAD v4.1: 564,774 of 1,610,064 alleles (35%); highest among the groups gnomAD compares: South Asian, 38%; 100,480 homozygotes.

Submissions (14):

Labcorp Genetics (formerly Invitae), Labcorp
Classification: Benign. Last evaluated: 2026-02-04. Review status: criteria provided, single submitter. Criteria: Invitae Variant Classification Sherloc (09022015). Collection method: clinical testing. Allele origin: germline.

Blueprint Genetics
Classification: Benign. Last evaluated: 2024-11-27. Review status: criteria provided, single submitter. Criteria: ACMG Guidelines, 2015. Collection method: clinical testing. Allele origin: germline.

Mayo Clinic Laboratories, Mayo Clinic
Classification: Benign. Last evaluated: 2022-04-26. Review status: criteria provided, single submitter. Criteria: ACMG Guidelines, 2015. Collection method: clinical testing. Allele origin: germline. Observed: 648 variant alleles.

Genome-Nilou Lab
Classification: Benign for Autosomal dominant familial hematuria-retinal arteriolar tortuosity-contractures syndrome. Last evaluated: 2021-07-22. Review status: criteria provided, single submitter. Criteria: ACMG Guidelines, 2015. Collection method: clinical testing. Allele origin: germline. Affected: no.

Genome-Nilou Lab
Classification: Benign for Brain small vessel disease 1 with or without ocular anomalies. Last evaluated: 2021-07-22. Review status: criteria provided, single submitter. Criteria: ACMG Guidelines, 2015. Collection method: clinical testing. Allele origin: germline. Affected: no.

Athena Diagnostics
Classification: Benign. Last evaluated: 2021-06-02. Review status: criteria provided, single submitter. Criteria: Athena Diagnostics criteria. Collection method: clinical testing. Allele origin: unknown.

Illumina Laboratory Services, Illumina
Classification: Benign for Autosomal dominant familial hematuria-retinal arteriolar tortuosity-contractures syndrome. Last evaluated: 2018-01-13. Review status: criteria provided, single submitter. Criteria: ICSL Variant Classification Criteria 13 December 2019. Collection method: clinical testing. Allele origin: germline.
Comment: This variant was observed in the ICSL laboratory as part of a predisposition screen in an ostensibly healthy population. It had not been previously curated by ICSL or reported in the Human Gene Mutation Database (HGMD: prior to June 1st, 2018), and was therefore a candidate for classification through an automated scoring system. Utilizing variant allele frequency, disease prevalence and penetrance estimates, and inheritance mode, an automated score was calculated to assess if this variant is too frequent to cause the disease. Based on the score and internal cut-off values, a variant classified as benign is not then subjected to further curation. The score for this variant resulted in a classification of benign for this disease.

Illumina Laboratory Services, Illumina
Classification: Benign for Brain small vessel disease 1 with or without ocular anomalies. Last evaluated: 2018-01-13. Review status: criteria provided, single submitter. Criteria: ICSL Variant Classification Criteria 13 December 2019. Collection method: clinical testing. Allele origin: germline.
Comment: the same text as in the submission from Illumina Laboratory Services, Illumina above.

GeneDx
Classification: Benign. Last evaluated: 2017-11-14. Review status: criteria provided, single submitter. Criteria: GeneDx Variant Classification (06012015). Collection method: clinical testing. Allele origin: germline. Affected: yes.
Comment: This variant is considered likely benign or benign based on one or more of the following criteria: it is a conservative change, it occurs at a poorly conserved position in the protein, it is predicted to be benign by multiple in silico algorithms, and/or has population frequency not consistent with disease.

Breakthrough Genomics
Classification: Benign. Review status: criteria provided, single submitter. Criteria: ACMG Guidelines, 2015. Collection method: not provided. Allele origin: germline. Inheritance: Autosomal dominant inheritance. Affected: yes.

PreventionGenetics, part of Exact Sciences
Classification: Benign. Review status: criteria provided, single submitter. Criteria: ACMG Guidelines, 2015. Collection method: clinical testing. Allele origin: germline.

Clinical Genetics DNA and cytogenetics Diagnostics Lab, Erasmus MC, Erasmus Medical Center
Classification: Benign. Review status: no assertion criteria provided. Collection method: clinical testing. Allele origin: germline. Affected: yes. Study: VKGL Data-share Consensus. Not counted in ClinVar's aggregate classification.

Diagnostic Laboratory, Department of Genetics, University Medical Center Groningen
Classification: Benign. Review status: no assertion criteria provided. Collection method: clinical testing. Allele origin: germline. Affected: yes. Study: VKGL Data-share Consensus. Not counted in ClinVar's aggregate classification.

Joint Genome Diagnostic Labs from Nijmegen and Maastricht, Radboudumc and MUMC+
Classification: Benign. Review status: no assertion criteria provided. Collection method: clinical testing. Allele origin: germline. Affected: yes. Study: VKGL Data-share Consensus. Not counted in ClinVar's aggregate classification.

NM_001845.6(COL4A1):c.4470C>T (p.Ala1490=)

Gene: COL4A1 (collagen type IV alpha 1 chain; minus strand). Cytogenetic location: 13q34.
Variant type: single nucleotide variant.
Coding change: c.4470C>T on transcript NM_001845.6 (MANE Select); coding-DNA position 4470, C replaced by T.
Protein change: p.Ala1490=; no amino-acid change (alanine 1490 retained).
Molecular consequence: synonymous variant.
Genome position (GRCh38, 1-based): chr13:110,161,362, G>A on the plus strand (C>T on the coding strand, the complement: COL4A1 is on the minus strand). VCF-style: chr13-110161362-G-A. GRCh37 (hg19) VCF-style: chr13-110813709-G-A.
Other names: p.Ala1490=.
Identifiers: ClinVar variation 258255 (VCV000258255.30), dbSNP rs1133219, ClinGen allele CA7046913.